The following is an entry in ClinVar:

ClinVar aggregate classification (germline): Uncertain significance (1 of 4 stars; one submission).

Submission:

Labcorp Genetics (formerly Invitae), Labcorp
Classification: Uncertain significance. Last evaluated: 2022-06-08. Review status: criteria provided, single submitter. Criteria: Invitae Variant Classification Sherloc (09022015). Collection method: clinical testing. Allele origin: germline.
Comment: In summary, the available evidence is currently insufficient to determine the role of this variant in disease. Therefore, it has been classified as a Variant of Uncertain Significance. Algorithms developed to predict the effect of missense changes on protein structure and function are either unavailable or do not agree on the potential impact of this missense change (SIFT: "Deleterious"; PolyPhen-2: "Probably Damaging"; Align-GVGD: "Class C0"). This variant has not been reported in the literature in individuals affected with CARMIL2-related conditions. This variant is not present in population databases (gnomAD no frequency). This sequence change replaces arginine, which is basic and polar, with methionine, which is neutral and non-polar, at codon 62 of the CARMIL2 protein (p.Arg62Met).

NM_001013838.3(CARMIL2):c.185G>T (p.Arg62Met)

Gene: CARMIL2 (capping protein regulator and myosin 1 linker 2; plus strand). Cytogenetic location: 16q22.1.
Variant type: single nucleotide variant.
Coding change: c.185G>T on transcript NM_001013838.3 (MANE Select); coding-DNA position 185, G replaced by T.
Protein change: p.Arg62Met; replaces arginine 62 with methionine.
Molecular consequence: missense variant.
Genome position (GRCh38, 1-based): chr16:67,645,776, G>T. VCF-style: chr16-67645776-G-T. GRCh37 (hg19) VCF-style: chr16-67679679-G-T.
Other names: c.185G>T, p.Arg62Met (NM_001317026.3); short protein forms R62M.
Identifiers: ClinVar variation 2003477 (VCV002003477.4), dbSNP rs747475581, ClinGen allele CA396330534.
Genomic context (GRCh38, chr16:67,645,776, plus strand): 5'-TTCCCCAGGCACTGCTACGATGGAGAGCCTACCTGCTGCACACCACCTGCCTCCCGCTGA[G>T]GGTGAGTCCCAGGGCCTGGCCACACCCCCGCCCGCCAGCAGCTACCTTGGCAGGGGGCTG-3'
Protein context (NP_001013860.1, residues 52-72): YLLHTTCLPL[Arg62Met]VDCTFSYLEV